The following is an entry in ClinVar:

NM_000138.5(FBN1):c.6185dup (p.Tyr2062Ter)

Gene: FBN1 (fibrillin 1; minus strand). Cytogenetic location: 15q21.1.
Variant type: Duplication.
Coding change: c.6185dup on transcript NM_000138.5 (MANE Select); coding-DNA position 6185, one base duplicated (A; older notation c.6185dupA).
Protein change: p.Tyr2062Ter; replaces tyrosine 2062 with a stop codon.
Molecular consequence: nonsense.
Genome position (GRCh38, 1-based): chr15:48,437,896, T duplicated on the plus strand (A on the coding strand, the reverse complement: FBN1 is on the minus strand). VCF-style (leftmost placement, unchanged base first): chr15-48437895-A-AT. GRCh37 (hg19) VCF-style: chr15-48730092-A-AT.
Other names: c.6185dup, p.Tyr2062Ter (NM_001406716.1); short protein forms Y2062*.
Identifiers: ClinVar variation 3759274 (VCV003759274.2).

ClinVar aggregate classification (germline): Pathogenic (1 of 4 stars; one submission).

Conditions:
Marfan syndrome (MFS). Also called: MARFAN SYNDROME, TYPE I; Marfan syndrome type 1; Marfan's syndrome; Marfan syndrome, classic; FBN1-Related Marfan Syndrome. Identifiers: Orphanet 284963, Orphanet 558, MedGen C0024796, MONDO:0007947, OMIM 154700.
Familial thoracic aortic aneurysm and aortic dissection (TAAD). Also called: Thoracic aortic aneurysms and dissections. Identifiers: Orphanet 91387, MedGen C4707243, MONDO:0019625.

Submission:

Labcorp Genetics (formerly Invitae), Labcorp
Classification: Pathogenic for Marfan syndrome; Familial thoracic aortic aneurysm and aortic dissection. Last evaluated: 2025-10-23. Review status: criteria provided, single submitter. Criteria: Invitae Variant Classification Sherloc (09022015). Collection method: clinical testing. Allele origin: germline.
Comment: This sequence change creates a premature translational stop signal (p.Tyr2062*) in the FBN1 gene. It is expected to result in an absent or disrupted protein product. Loss-of-function variants in FBN1 are known to be pathogenic (PMID: 17657824, 19293843). This variant is not present in population databases (gnomAD no frequency). This premature translational stop signal has been observed in individual(s) with clinical features of Marfan syndrome (PMID: 10464652). ClinVar contains an entry for this variant (Variation ID: 3759274). For these reasons, this variant has been classified as Pathogenic.

Literature cited by the submitters: PubMed 17657824; PubMed 19293843; PubMed 10464652.